The following is an entry in ClinVar:

ClinVar aggregate classification (germline): Uncertain significance (1 of 4 stars; one submission).

Submission:

Dasa
Classification: Uncertain significance. Last evaluated: 2024-12-16. Review status: criteria provided, single submitter. Criteria: DASA Assertion Criteria. Collection method: clinical testing. Allele origin: germline.
Comment: NM_005232.5(EPHA1):c.2585G>T (p.Cys862Phe) is a missense variant that results in the substitution of cysteine with phenylalanine. This variant is absent from population databases. Computational prediction algorithms are consistent with a deleterious effect. The currently available literature and clinical evidence are not sufficient to establish a definitive association between this variant and the reported condition. Therefore, this variant is classified as a variant of uncertain significance.

NM_005232.5(EPHA1):c.2585G>T (p.Cys862Phe)

Gene: EPHA1 (EPH receptor A1; minus strand). Cytogenetic location: 7q34.
Variant type: single nucleotide variant.
Coding change: c.2585G>T on transcript NM_005232.5 (MANE Select); coding-DNA position 2585, G replaced by T.
Protein change: p.Cys862Phe; replaces cysteine 862 with phenylalanine.
Molecular consequence: missense variant.
Genome position (GRCh38, 1-based): chr7:143,393,782, C>A on the plus strand (G>T on the coding strand, the complement: EPHA1 is on the minus strand). VCF-style: chr7-143393782-C-A. GRCh37 (hg19) VCF-style: chr7-143090875-C-A.
Other names: short protein forms C862F.
Identifiers: ClinVar variation 4881371 (VCV004881371.2).